The following is an entry in ClinVar:

NM_002439.5(MSH3):c.3131-2A>G

Gene: MSH3 (mutS homolog 3; plus strand). Cytogenetic location: 5q14.1.
Variant type: single nucleotide variant.
Coding change: c.3131-2A>G on transcript NM_002439.5 (MANE Select); the canonical splice acceptor site of the intron before coding-DNA position 3131, A replaced by G.
Molecular consequence: splice acceptor variant.
Genome position (GRCh38, 1-based): chr5:80,873,114, A>G. VCF-style: chr5-80873114-A-G. GRCh37 (hg19) VCF-style: chr5-80168933-A-G.
Identifiers: ClinVar variation 3222285 (VCV003222285.1), dbSNP rs2478804768, ClinGen allele CA360346779.
Genomic context (GRCh38, chr5:80,873,114, plus strand): 5'-TTAATCCTCTAATTTATTTCAGCTTTCAGGCACAGTTTTGATCTCCTTTCTTTATTTCAC[A>G]GGCGCAGCAGAACAAGTCCCTGATTTTGTCACCTTCCTTTACCAAATAACTAGAGGAATT-3'

ClinVar aggregate classification (germline): Likely pathogenic (1 of 4 stars; one submission).

Conditions:
Hereditary cancer-predisposing syndrome. Also called: Tumor predisposition; Hereditary neoplastic syndrome; Hereditary Cancer Syndrome; Neoplastic Syndromes, Hereditary. Identifiers: Orphanet 140162, MedGen C0027672, MeSH D009386, MONDO:0015356.

Submission:

Ambry Genetics
Classification: Likely pathogenic for Hereditary cancer-predisposing syndrome. Last evaluated: 2024-01-16. Review status: criteria provided, single submitter. Criteria: Ambry Variant Classification Scheme 2023. Collection method: clinical testing. Allele origin: germline.
Comment: The c.3131-2A>G intronic variant results from an A to G substitution two nucleotides upstream from coding exon 23 in the MSH3 gene. This variant is considered to be rare based on population cohorts in the Genome Aggregation Database (gnomAD). This nucleotide position is highly conserved in available vertebrate species. In silico splice site analysis predicts that this alteration will weaken the native splice acceptor site and will result in the creation or strengthening of a novel splice acceptor site. Alterations that disrupt the canonical splice site are expected to cause aberrant splicing, resulting in an abnormal protein or a transcript that is subject to nonsense-mediated mRNA decay. As such, this alteration is classified as likely pathogenic.